The following is an entry in ClinVar:

ClinVar aggregate classification (germline): Uncertain significance (1 of 4 stars; one submission).

gnomAD v4.1: 15 of 1,614,034 alleles (0.00093%); highest among the groups gnomAD compares: Non-Finnish European, 0.0013%; no homozygotes.

Submission:

Labcorp Genetics (formerly Invitae), Labcorp
Classification: Uncertain significance. Last evaluated: 2025-04-17. Review status: criteria provided, single submitter. Criteria: Invitae Variant Classification Sherloc (09022015). Collection method: clinical testing. Allele origin: germline.
Comment: This sequence change replaces threonine, which is neutral and polar, with isoleucine, which is neutral and non-polar, at codon 811 of the CEP97 protein (p.Thr811Ile). This variant is present in population databases (rs757923625, gnomAD 0.002%). This variant has not been reported in the literature in individuals affected with CEP97-related conditions. Invitae Evidence Modeling of protein sequence and biophysical properties (such as structural, functional, and spatial information, amino acid conservation, physicochemical variation, residue mobility, and thermodynamic stability) indicates that this missense variant is not expected to disrupt CEP97 protein function with a negative predictive value of 80%. In summary, the available evidence is currently insufficient to determine the role of this variant in disease. Therefore, it has been classified as a Variant of Uncertain Significance.

NM_024548.4(CEP97):c.2432C>T (p.Thr811Ile)

Gene: CEP97 (centrosomal protein 97; plus strand). Cytogenetic location: 3q12.3.
Variant type: single nucleotide variant.
Coding change: c.2432C>T on transcript NM_024548.4 (MANE Select); coding-DNA position 2432, C replaced by T.
Protein change: p.Thr811Ile; replaces threonine 811 with isoleucine.
Molecular consequence: missense variant.
Genome position (GRCh38, 1-based): chr3:101,765,385, C>T. VCF-style: chr3-101765385-C-T. GRCh37 (hg19) VCF-style: chr3-101484229-C-T.
Other names: c.2255C>T, p.Thr752Ile (NM_001303401.2); c.2330C>T, p.Thr777Ile (NM_001410784.1); c.2153C>T, p.Thr718Ile (NM_001410785.1); short protein forms T718I, T777I, T811I, T752I.
Identifiers: ClinVar variation 4751257 (VCV004751257.1).